The following is an entry in ClinVar:

ClinVar aggregate classification (germline): Uncertain significance. Review status: criteria provided, multiple submitters, no conflicts (2 of 4 stars). 2 submissions from 2 submitters: Uncertain significance (2). Last evaluated 2026-05-11.

Conditions:
Retinitis pigmentosa 73 (RP73). Identifiers: Orphanet 791, MedGen C4225287, MONDO:0014687, OMIM 616544.
Mucopolysaccharidosis, MPS-III-C (MPS3C). Also called: MPS IIIC (Sanfilippo Syndrome Type C); MUCOPOLYSACCHARIDOSIS, TYPE IIIC; Mucopolysaccharidosis type IIIC (Sanfilippo C); SANFILIPPO SYNDROME C; MPS III C; mucopolysaccharidosis type 3C. Identifiers: Orphanet 581, Orphanet 79271, MedGen C0086649, MONDO:0009657, OMIM 252930.
Inborn genetic diseases. Identifiers: MedGen C0950123, MeSH D030342.

Allele frequency attached by ClinVar (database versions not stated): gnomAD 0.00001; gnomAD exomes 0.00001; TOPMed 0.00001.

Submissions (2):

Ambry Genetics
Classification: Uncertain significance for Inborn genetic diseases. Last evaluated: 2026-05-11. Review status: criteria provided, single submitter. Criteria: Ambry Variant Classification Scheme 2023. Collection method: clinical testing. Allele origin: germline.

Labcorp Genetics (formerly Invitae), Labcorp
Classification: Uncertain significance for Retinitis pigmentosa 73; Mucopolysaccharidosis, MPS-III-C. Last evaluated: 2022-02-05. Review status: criteria provided, single submitter. Criteria: Invitae Variant Classification Sherloc (09022015). Collection method: clinical testing. Allele origin: germline.
Comment: This sequence change replaces arginine, which is basic and polar, with histidine, which is basic and polar, at codon 241 of the HGSNAT protein (p.Arg241His). The frequency data for this variant in the population databases is considered unreliable, as metrics indicate poor data quality at this position in the gnomAD database. This variant has not been reported in the literature in individuals affected with HGSNAT-related conditions. Advanced modeling of protein sequence and biophysical properties (such as structural, functional, and spatial information, amino acid conservation, physicochemical variation, residue mobility, and thermodynamic stability) performed at Invitae indicates that this missense variant is expected to disrupt HGSNAT protein function. In summary, the available evidence is currently insufficient to determine the role of this variant in disease. Therefore, it has been classified as a Variant of Uncertain Significance.

NM_152419.3(HGSNAT):c.722G>A (p.Arg241His)

Gene: HGSNAT (heparan-alpha-glucosaminide N-acetyltransferase; plus strand). Cytogenetic location: 8p11.21.
Variant type: single nucleotide variant.
Coding change: c.722G>A on transcript NM_152419.3 (MANE Select); coding-DNA position 722, G replaced by A.
Protein change: p.Arg241His; replaces arginine 241 with histidine.
Molecular consequence: missense variant. On other transcripts: 5 prime UTR variant (1).
Genome position (GRCh38, 1-based): chr8:43,170,673, G>A. VCF-style: chr8-43170673-G-A. GRCh37 (hg19) VCF-style: chr8-43025816-G-A.
Other names: c.722G>A (NM_152419.2); c.722G>A, p.Arg241His (NM_001363227.2, NM_001363228.2); c.-112G>A (NM_001363229.2); short protein forms R241H.
Identifiers: ClinVar variation 1407290 (VCV001407290.6), dbSNP rs1231838743, ClinGen allele CA371116228.